The following is an entry in ClinVar:

ClinVar aggregate classification (germline): Pathogenic. Review status: criteria provided, multiple submitters, no conflicts (2 of 4 stars). 3 submissions from 3 submitters: Pathogenic (3). Last evaluated 2025-07-06.

Conditions:
Cardiovascular phenotype. Identifiers: MedGen CN230736.
Hereditary cancer-predisposing syndrome. Also called: Hereditary neoplastic syndrome; Neoplastic Syndromes, Hereditary; Tumor predisposition; Hereditary Cancer Syndrome. Identifiers: Orphanet 140162, MedGen C0027672, MeSH D009386, MONDO:0015356.
Neurofibromatosis, type 1 (NF1). Also called: VON RECKLINGHAUSEN DISEASE; Peripheral type neurofibromatosis; NEUROFIBROMATOSIS, TYPE I, SOMATIC; Neurofibromatosis, type I. Identifiers: Orphanet 636, MedGen C0027831, MONDO:0018975, OMIM 162200. Disease mechanism: loss of function.

Allele frequency attached by ClinVar (database versions not stated): gnomAD exomes below 0.00001.
gnomAD v4.1: 1 of 1,613,864 alleles (0.000062%); highest among the groups gnomAD compares: Non-Finnish European, 0.000085%; no homozygotes.

Submissions (3):

Labcorp Genetics (formerly Invitae), Labcorp
Classification: Pathogenic for Neurofibromatosis, type 1. Last evaluated: 2025-07-06. Review status: criteria provided, single submitter. Criteria: Invitae Variant Classification Sherloc (09022015). Collection method: clinical testing. Allele origin: germline.
Comment: This sequence change affects an acceptor splice site in intron 30 of the NF1 gene. It is expected to disrupt RNA splicing. Variants that disrupt the donor or acceptor splice site typically lead to a loss of protein function (PMID: 16199547), and loss-of-function variants in NF1 are known to be pathogenic (PMID: 10712197, 23913538). This variant is not present in population databases (gnomAD no frequency). Disruption of this splice site has been observed in individuals with neurofibromatosis type 1 (PMID: 16138229, 29673180). Invitae Evidence Modeling of clinical and family history, age, sex, and reported ancestry of multiple individuals with this NF1 variant has been performed. This variant is expected to be pathogenic with a positive predictive value of at least 99%. This is a validated machine learning model that incorporates the clinical features of 1,785,918 individuals referred to our laboratory for NF1 testing. ClinVar contains an entry for this variant (Variation ID: 481997). Studies have shown that disruption of this splice site is associated with inconclusive levels of altered splicing (internal data). For these reasons, this variant has been classified as Pathogenic.

Ambry Genetics
Classification: Pathogenic for Cardiovascular phenotype; Hereditary cancer-predisposing syndrome. Last evaluated: 2023-04-21. Review status: criteria provided, single submitter. Criteria: Ambry Variant Classification Scheme 2023. Collection method: clinical testing. Allele origin: germline.
Comment: The c.4111-2A>G intronic pathogenic mutation results from an A to G substitution two nucleotides upstream from coding exon 31 in the NF1 gene. This mutation has been detected in multiple individuals with a clinical diagnosis or suspicion of neurofibromatosis type 1 (Kluwe L et al. Am J Med Genet A, 2021 02;185:602-603; Ambry internal data). This variant is considered to be rare based on population cohorts in the Genome Aggregation Database (gnomAD). In silico splice site analysis predicts that this alteration will weaken the native splice acceptor site and may result in the creation or strengthening of a novel splice acceptor site; however, direct evidence is insufficient at this time (Ambry internal data). Alterations that disrupt the canonical splice site are expected to cause aberrant splicing, resulting in an abnormal protein or a transcript that is subject to nonsense-mediated mRNA decay. As such, this alteration is classified as a disease-causing mutation.

Genome-Nilou Lab
Classification: Pathogenic for Neurofibromatosis, type 1. Last evaluated: 2022-03-15. Review status: criteria provided, single submitter. Criteria: ACMG Guidelines, 2015. Collection method: clinical testing. Allele origin: germline. Affected: no.

Literature cited by the submitters: PubMed 16199547 (cited by Labcorp Genetics (formerly Invitae), Labcorp); PubMed 10712197 (cited by Labcorp Genetics (formerly Invitae), Labcorp); PubMed 23913538 (cited by Labcorp Genetics (formerly Invitae), Labcorp); PubMed 16138229 (cited by Labcorp Genetics (formerly Invitae), Labcorp); PubMed 29673180 (cited by Labcorp Genetics (formerly Invitae), Labcorp).

NM_001042492.3(NF1):c.4174-2A>G

Gene: NF1 (neurofibromin 1; plus strand). Cytogenetic location: 17q11.2.
Variant type: single nucleotide variant.
Coding change: c.4174-2A>G on transcript NM_001042492.3 (MANE Select); the canonical splice acceptor site of the intron before coding-DNA position 4174, A replaced by G.
Molecular consequence: splice acceptor variant.
Genome position (GRCh38, 1-based): chr17:31,258,342, A>G. VCF-style: chr17-31258342-A-G. GRCh37 (hg19) VCF-style: chr17-29585360-A-G.
Other names: c.4111-2A>G (NM_000267.4).
Identifiers: ClinVar variation 481997 (VCV000481997.13), dbSNP rs1555618489, ClinGen allele CA398997467.
Genomic context (GRCh38, chr17:31,258,342, plus strand): 5'-TTGTTTTCATGTCTTTATATTAATTCAAACCTTATACTCAATTCTCAACTCCTTGTTTTT[A>G]GGTGGTTAGCCAGCGTTTCCCTCAGAACAGCATCGGTGCAGTAGGAAGTGCCATGTTCCT-3'